The following is an entry in ClinVar:

ClinVar aggregate classification (germline): Conflicting classifications of pathogenicity. Review status: criteria provided, conflicting classifications (1 of 4 stars). 5 submissions from 4 submitters: Uncertain significance (1); Benign (2); Likely benign (2). Last evaluated 2026-06-01.

Conditions:
Lethal multiple pterygium syndrome (LMPS). Identifiers: Orphanet 33108, MedGen C1854678, MONDO:0009668, OMIM 253290.
Autosomal recessive multiple pterygium syndrome. Also called: MULTIPLE PTERYGIUM SYNDROME, ESCOBAR VARIANT; PTERYGIUM COLLI SYNDROME; PTERYGIUM SYNDROME; PTERYGIUM UNIVERSALE. Identifiers: Orphanet 2990, MedGen C0265261, MONDO:0009926, OMIM 265000.

Allele frequency attached by ClinVar (database versions not stated): 1000 Genomes Project 0.00020; 1000 Genomes Project 30x 0.00031; gnomAD 0.00049 and 0.00050; ExAC 0.00061; TOPMed 0.00066; gnomAD exomes 0.00083; ESP Exome Variant Server 0.00085.
gnomAD v4.1: 744 of 1,614,210 alleles (0.046%); highest among the groups gnomAD compares: Middle Eastern, 0.18%; 4 homozygotes.

Submissions (5):

CeGaT Center for Human Genetics Tuebingen
Classification: Likely benign. Last evaluated: 2026-06-01. Review status: criteria provided, single submitter. Criteria: CeGaT Center For Human Genetics Tuebingen Variant Classification Criteria Version 2. Collection method: clinical testing. Allele origin: germline. Affected: yes. Observed: 1 variant allele.
Comment: CHRNG: BP4, BP7

Labcorp Genetics (formerly Invitae), Labcorp
Classification: Benign. Last evaluated: 2026-01-31. Review status: criteria provided, single submitter. Criteria: Invitae Variant Classification Sherloc (09022015). Collection method: clinical testing. Allele origin: germline.

Blueprint Genetics
Classification: Likely benign. Last evaluated: 2024-10-18. Review status: criteria provided, single submitter. Criteria: ACMG Guidelines, 2015. Collection method: clinical testing. Allele origin: germline.

Illumina Laboratory Services, Illumina
Classification: Benign for Lethal multiple pterygium syndrome. Last evaluated: 2017-04-27. Review status: criteria provided, single submitter. Criteria: ICSL Variant Classification Criteria 13 December 2019. Collection method: clinical testing. Allele origin: germline.
Comment: This variant was observed as part of a predisposition screen in an ostensibly healthy population. A literature search was performed for the gene, cDNA change, and amino acid change (where applicable). No publications were found based on this search. Allele frequency data from public databases was too high to be consistent with this variant causing disease. Therefore, this variant is classified as benign.

Illumina Laboratory Services, Illumina
Classification: Uncertain significance for Autosomal recessive multiple pterygium syndrome. Last evaluated: 2017-04-27. Review status: criteria provided, single submitter. Criteria: ICSL Variant Classification Criteria 13 December 2019. Collection method: clinical testing. Allele origin: germline.

NM_005199.5(CHRNG):c.132G>A (p.Ala44=)

Gene: CHRNG (cholinergic receptor nicotinic gamma subunit; plus strand). Cytogenetic location: 2q37.1.
Variant type: single nucleotide variant.
Coding change: c.132G>A on transcript NM_005199.5 (MANE Select); coding-DNA position 132, G replaced by A.
Protein change: p.Ala44=; no amino-acid change (alanine 44 retained).
Molecular consequence: synonymous variant.
Genome position (GRCh38, 1-based): chr2:232,540,068, G>A. VCF-style: chr2-232540068-G-A. GRCh37 (hg19) VCF-style: chr2-233404778-G-A.
Identifiers: ClinVar variation 897876 (VCV000897876.11), dbSNP rs141402683, ClinGen allele CA2168514.
Genomic context (GRCh38, chr2:232,540,068, plus strand): 5'-CCAGGAGGAGCGCCTGCTCGCAGACCTGATGCAAAACTACGACCCCAACCTGCGGCCCGC[G>A]GAACGAGACTCGGATGTGGTCAATGTCAGCCTGAAGCTAACCCTCACCAACCTCATCTCC-3'
Protein context (NP_005190.4, residues 34-54): MQNYDPNLRP[Ala44=]ERDSDVVNVS